The following is an entry in ClinVar:

NM_018993.4(RIN2):c.57+18T>C

Gene: RIN2 (Ras and Rab interactor 2; plus strand). Cytogenetic location: 20p11.23.
Variant type: single nucleotide variant.
Coding change: c.57+18T>C on transcript NM_018993.4 (MANE Select); 18 bases into the intron after coding-DNA position 57, T replaced by C.
Molecular consequence: intron variant.
Genome position (GRCh38, 1-based): chr20:19,889,676, T>C. VCF-style: chr20-19889676-T-C. GRCh37 (hg19) VCF-style: chr20-19870320-T-C.
Other names: c.-489+18T>C (NM_001378238.1); c.204+18T>C (NM_001242581.2).
Identifiers: ClinVar variation 509141 (VCV000509141.9), dbSNP rs140679811, ClinGen allele CA9779690.

ClinVar aggregate classification (germline): Benign/Likely benign. Review status: criteria provided, multiple submitters, no conflicts (2 of 4 stars). 2 submissions from 2 submitters: Benign (1); Likely benign (1). Last evaluated 2026-01-25.

Allele frequency attached by ClinVar (database versions not stated): gnomAD exomes 0.00018 and 0.00047; 1000 Genomes Project 0.00060; 1000 Genomes Project 30x 0.00094; ExAC 0.00128; ESP Exome Variant Server 0.00175; gnomAD 0.00212 and 0.00235; TOPMed 0.00234.
gnomAD v4.1: 564 of 1,477,598 alleles (0.038%); highest among the groups gnomAD compares: African/African-American, 0.73%; 3 homozygotes.

Submissions (2):

Labcorp Genetics (formerly Invitae), Labcorp
Classification: Benign. Last evaluated: 2026-01-25. Review status: criteria provided, single submitter. Criteria: Invitae Variant Classification Sherloc (09022015). Collection method: clinical testing. Allele origin: germline.

GeneDx
Classification: Likely benign. Last evaluated: 2018-02-05. Review status: criteria provided, single submitter. Criteria: GeneDx Variant Classification (06012015). Collection method: clinical testing. Allele origin: germline. Affected: yes.
Comment: This variant is considered likely benign or benign based on one or more of the following criteria: it is a conservative change, it occurs at a poorly conserved position in the protein, it is predicted to be benign by multiple in silico algorithms, and/or has population frequency not consistent with disease.